The following is an entry in ClinVar:

NM_018124.4(RFWD3):c.1551C>A (p.Ser517=)

Gene: RFWD3 (ring finger and WD repeat domain 3; minus strand). Cytogenetic location: 16q23.1.
Variant type: single nucleotide variant.
Coding change: c.1551C>A on transcript NM_018124.4 (MANE Select); coding-DNA position 1551, C replaced by A.
Protein change: p.Ser517=; no amino-acid change (serine 517 retained).
Molecular consequence: synonymous variant.
Genome position (GRCh38, 1-based): chr16:74,632,549, G>T on the plus strand (C>A on the coding strand, the complement: RFWD3 is on the minus strand). VCF-style: chr16-74632549-G-T. GRCh37 (hg19) VCF-style: chr16-74666447-G-T.
Other names: c.1551C>A, p.Ser517= (NM_001370534.1, NM_001370535.1, NM_001370536.1); c.717C>A, p.Ser239= (NM_001370537.1, NM_001370539.1, NM_001370540.1 and 2 more transcripts); c.1551C>A (NM_018124.3).
Identifiers: ClinVar variation 3714179 (VCV003714179.3).

ClinVar aggregate classification (germline): Likely benign. Review status: criteria provided, multiple submitters, no conflicts (2 of 4 stars). 2 submissions from 2 submitters: Likely benign (2). Last evaluated 2024-11-12.

Conditions:
RFWD3-related disorder. Also called: RFWD3-related condition.

gnomAD v4.1: 28 of 1,613,872 alleles (0.0017%); highest among the groups gnomAD compares: Non-Finnish European, 0.002%; no homozygotes.

Submissions (2):

PreventionGenetics, part of Exact Sciences
Classification: Likely benign for RFWD3-related condition. Last evaluated: 2024-11-12. Review status: criteria provided, single submitter. Criteria: ACMG Guidelines, 2015. Collection method: clinical testing. Allele origin: germline.
Comment: This variant is classified as likely benign based on ACMG/AMP sequence variant interpretation guidelines (Richards et al. 2015 PMID: 25741868, with internal and published modifications).

Labcorp Genetics (formerly Invitae), Labcorp
Classification: Likely benign. Last evaluated: 2024-04-30. Review status: criteria provided, single submitter. Criteria: Invitae Variant Classification Sherloc (09022015). Collection method: clinical testing. Allele origin: germline.